The following is an entry in ClinVar:

NM_022367.4(SEMA4A):c.1409G>A (p.Arg470His)

Gene: SEMA4A (semaphorin 4A; plus strand). Cytogenetic location: 1q22.
Variant type: single nucleotide variant.
Coding change: c.1409G>A on transcript NM_022367.4 (MANE Select); coding-DNA position 1409, G replaced by A.
Protein change: p.Arg470His; replaces arginine 470 with histidine.
Molecular consequence: missense variant.
Genome position (GRCh38, 1-based): chr1:156,174,915, G>A. VCF-style: chr1-156174915-G-A. GRCh37 (hg19) VCF-style: chr1-156144706-G-A.
Other names: c.1409G>A, p.Arg470His (NM_001193300.2, NM_001193301.2, NM_001370567.1); c.1013G>A, p.Arg338His (NM_001193302.2); c.1112G>A, p.Arg371His (NM_001370568.1); c.902G>A, p.Arg301His (NM_001370569.1, NM_001370571.1); short protein forms R301H, R338H, R371H, R470H.
Identifiers: ClinVar variation 968843 (VCV000968843.11), dbSNP rs374476778, ClinGen allele CA1155353.

ClinVar aggregate classification (germline): Uncertain significance. Review status: criteria provided, multiple submitters, no conflicts (2 of 4 stars). 2 submissions from 2 submitters: Uncertain significance (2). Last evaluated 2025-06-09.

Allele frequency attached by ClinVar (database versions not stated): gnomAD exomes 0.00005 and 0.00008; ExAC 0.00007; ESP Exome Variant Server 0.00008; gnomAD 0.00011 and 0.00012; TOPMed 0.00012.
gnomAD v4.1: 90 of 1,614,176 alleles (0.0056%); highest among the groups gnomAD compares: African/African-American, 0.028%; 2 homozygotes.

Submissions (2):

Labcorp Genetics (formerly Invitae), Labcorp
Classification: Uncertain significance. Last evaluated: 2025-06-09. Review status: criteria provided, single submitter. Criteria: Invitae Variant Classification Sherloc (09022015). Collection method: clinical testing. Allele origin: germline.
Comment: This sequence change replaces arginine, which is basic and polar, with histidine, which is basic and polar, at codon 470 of the SEMA4A protein (p.Arg470His). This variant is present in population databases (rs374476778, gnomAD 0.02%). This variant has not been reported in the literature in individuals affected with SEMA4A-related conditions. ClinVar contains an entry for this variant (Variation ID: 968843). Invitae Evidence Modeling of protein sequence and biophysical properties (such as structural, functional, and spatial information, amino acid conservation, physicochemical variation, residue mobility, and thermodynamic stability) indicates that this missense variant is not expected to disrupt SEMA4A protein function with a negative predictive value of 80%. In summary, the available evidence is currently insufficient to determine the role of this variant in disease. Therefore, it has been classified as a Variant of Uncertain Significance.

Blueprint Genetics
Classification: Uncertain significance. Last evaluated: 2022-11-11. Review status: criteria provided, single submitter. Criteria: ACMG Guidelines, 2015. Collection method: clinical testing. Allele origin: germline.